The following is an entry in ClinVar:

NM_000256.3(MYBPC3):c.1373G>A (p.Arg458His)

Gene: MYBPC3 (myosin binding protein C3; minus strand). Cytogenetic location: 11p11.2.
Variant type: single nucleotide variant.
Coding change: c.1373G>A on transcript NM_000256.3 (MANE Select); coding-DNA position 1373, G replaced by A.
Protein change: p.Arg458His; replaces arginine 458 with histidine.
Molecular consequence: missense variant.
Genome position (GRCh38, 1-based): chr11:47,342,914, C>T on the plus strand (G>A on the coding strand, the complement: MYBPC3 is on the minus strand). VCF-style: chr11-47342914-C-T. GRCh37 (hg19) VCF-style: chr11-47364465-C-T.
Other names: short protein forms R458H.
Identifiers: ClinVar variation 42527 (VCV000042527.29), dbSNP rs374255707, ClinGen allele CA010205.

ClinVar aggregate classification (germline): Uncertain significance. Review status: criteria provided, multiple submitters, no conflicts (2 of 4 stars). 13 submissions from 13 submitters: Uncertain significance (11). 2 of the submissions do not count toward it. Last evaluated 2025-11-11.

Conditions:
MYBPC3-related disorder. Also called: MYBPC3-related disorders; MYBPC3-related condition; MYBPC3-related disease.
MYBPC3-related HCM.
Cardiovascular phenotype. Identifiers: MedGen CN230736.
Hypertrophic cardiomyopathy 4. Also called: Familial hypertrophic cardiomyopathy 4. Identifiers: MedGen C1861862, MONDO:0007268, OMIM 115197.
Left ventricular noncompaction 10 (LVNC10). Identifiers: Orphanet 154, Orphanet 54260, MedGen C3715165, MONDO:0014163, OMIM 615396.
Cardiomyopathy (CMYO). Also called: Cardiomyopathies. Identifiers: Orphanet 167848, MedGen C0878544, MONDO:0004994, HP:0001638. Inheritance: Various modes of inheritance.
Primary familial hypertrophic cardiomyopathy (HCM). Identifiers: Orphanet 99739, MedGen C0949658, MeSH D024741, MONDO:0024573. Inheritance: Various modes of inheritance.
Hypertrophic cardiomyopathy. Also called: HYPERTROPHIC MYOCARDIOPATHY. Identifiers: Orphanet 217569, MedGen C0007194, MeSH D002312, MONDO:0005045, HP:0001639.

Allele frequency attached by ClinVar (database versions not stated): gnomAD 0.00001; ExAC 0.00004; TOPMed 0.00005; ESP Exome Variant Server 0.00016.
gnomAD v4.1: 70 of 1,611,840 alleles (0.0043%); highest among the groups gnomAD compares: Admixed American, 0.0067%; no homozygotes.

Submissions 1 to 10 of 13:

Greenwood Genetic Center Diagnostic Laboratories, Greenwood Genetic Center
Classification: Uncertain significance. Last evaluated: 2025-11-11. Review status: criteria provided, single submitter. Criteria: ACMG Guidelines, 2015. Collection method: clinical testing. Allele origin: germline. Affected: yes.
Comment: BP4

PreventionGenetics, part of Exact Sciences
Classification: Uncertain significance for MYBPC3-related condition. Last evaluated: 2025-10-17. Review status: criteria provided, single submitter. Criteria: ACMG Guidelines, 2015. Collection method: clinical testing. Allele origin: germline.
Comment: The MYBPC3 c.1373G>A variant is predicted to result in the amino acid substitution p.Arg458His. This variant has been reported in multiple individuals with hypertrophic or dilated cardiomyopathy (see for example: Van Driest et al. 2004. PubMed ID: 15519027; Roncarati et al. 2011. PubMed ID: 21302287; Merlo et al. 2013. PubMed ID: 24119082; Supplementary File 2, van Lint et al. 2019. PubMed ID: 30847666) however pathogenicity has not been established with functional studies. This variant is reported in 0.010% of alleles in individuals of East Asian descent in gnomAD. At this time, the clinical significance of this variant is uncertain due to the absence of conclusive functional and genetic evidence.

Labcorp Genetics (formerly Invitae), Labcorp
Classification: Uncertain significance for Hypertrophic cardiomyopathy. Last evaluated: 2025-09-15. Review status: criteria provided, single submitter. Criteria: Invitae Variant Classification Sherloc (09022015). Collection method: clinical testing. Allele origin: germline.
Comment: This sequence change replaces arginine, which is basic and polar, with histidine, which is basic and polar, at codon 458 of the MYBPC3 protein (p.Arg458His). This variant is present in population databases (rs374255707, gnomAD 0.01%). This missense change has been observed in individuals with dilated cardiomyopathy or hypertrophic cardiomyopathy (PMID: 15519027, 21302287, 24119082, 27532257). ClinVar contains an entry for this variant (Variation ID: 42527). An algorithm developed to predict the effect of missense changes on protein structure and function (PolyPhen-2) suggests that this variant is likely to be tolerated. In summary, the available evidence is currently insufficient to determine the role of this variant in disease. Therefore, it has been classified as a Variant of Uncertain Significance.

Revvity Omics, Revvity
Classification: Uncertain significance. Last evaluated: 2025-05-20. Review status: criteria provided, single submitter. Criteria: ACMG Guidelines, 2015. Collection method: clinical testing. Allele origin: germline.

Dasa
Classification: Uncertain significance for MYBPC3-related HCM. Last evaluated: 2025-04-19. Review status: criteria provided, single submitter. Criteria: DASA Assertion Criteria. Collection method: clinical testing. Allele origin: germline.
Comment: NM_000256.3(MYBPC3):c.1373G>A (p.Arg458His) is a missense variant that results in the substitution of arginine with histidine. This variant is rare in population databases. Computational prediction algorithms are consistent with a benign effect. The currently available literature and clinical evidence are not sufficient to establish a definitive association between this variant and the reported condition. Therefore, this variant is classified as a variant of uncertain significance.

All of Us Research Program, National Institutes of Health
Classification: Uncertain significance for Hypertrophic cardiomyopathy. Last evaluated: 2024-05-30. Review status: criteria provided, single submitter. Criteria: ACMG Guidelines, 2015. Collection method: clinical testing. Allele origin: germline. Inheritance: Autosomal dominant inheritance. Observed: 9 variant alleles, 9 heterozygotes.
Comment: This missense variant replaces arginine with histidine at codon 458 of the MYBPC3 protein. Computational prediction suggests that this variant may not impact protein structure and function (internally defined REVEL score threshold <= 0.5, PMID: 27666373). To our knowledge, functional studies have not been reported for this variant. This variant has been reported in individuals affected with hypertrophic cardiomyopathy (PMID: 15519027, 21302287) and in individuals affected with dilated cardiomyopathy (PMID: 24119082, 27532257). This variant has been identified in 13/276446 chromosomes in the general population by the Genome Aggregation Database (gnomAD). The available evidence is insufficient to determine the role of this variant in disease conclusively. Therefore, this variant is classified as a Variant of Uncertain Significance.

This study involves interpretation of variants in research participants for the purpose of population health screening. Participant phenotype was not available at the time of variant classification. Additional details can be found in publication PMID: 35346344, PMCID: PMC8962531

Color Diagnostics, LLC DBA Color Health
Classification: Uncertain significance for Cardiomyopathy. Last evaluated: 2024-04-26. Review status: criteria provided, single submitter. Criteria: ACMG Guidelines, 2015. Collection method: clinical testing. Allele origin: germline.
Comment: This missense variant replaces arginine with histidine at codon 458 of the MYBPC3 protein. Computational prediction tools indicate that this variant has a neutral impact on protein structure and function. To our knowledge, functional studies have not been reported for this variant. This variant has been reported in two individuals affected with hypertrophic cardiomyopathy (PMID: 15519027, 21302287) and in two individuals affected with dilated cardiomyopathy (PMID: 24119082, 27532257). This variant has been identified in 13/276446 chromosomes in the general population by the Genome Aggregation Database (gnomAD). The available evidence is insufficient to determine the role of this variant in disease conclusively. Therefore, this variant is classified as a Variant of Uncertain Significance.

Ambry Genetics
Classification: Uncertain significance for Cardiovascular phenotype. Last evaluated: 2023-12-19. Review status: criteria provided, single submitter. Criteria: Ambry Variant Classification Scheme 2023. Collection method: clinical testing. Allele origin: germline.
Comment: The p.R458H variant (also known as c.1373G>A), located in coding exon 16 of the MYBPC3 gene, results from a G to A substitution at nucleotide position 1373. The arginine at codon 458 is replaced by histidine, an amino acid with highly similar properties. This alteration has been reported in subjects with hypertrophic cardiomyopathy (HCM) and dilated cardiomyopathy (DCM) (Van Driest SL et al. J. Am. Coll. Cardiol., 2004 Nov;44:1903-10; Merlo M et al. Clin Transl Sci, 2013 Dec;6:424-8; Roncarati R et al. J. Cell. Physiol., 2011 Nov;226:2894-900; Pugh TJ et al. Genet. Med., 2014 Aug;16:601-8; Walsh R et al. Genet. Med., 2017 02;19:192-203). This alteration has also been seen in exome cohorts, but cardiovascular history was not provided (Andreasen C et al. Eur J Hum Genet. 2013;21(9):918-28; Dorschner MO et al. Am J Hum Genet. 2013;93(4):631-40; Amendola LM et al. Genome Res. 2015;25(3):305-15). This amino acid position is not well conserved in available vertebrate species, and histidine is the reference amino acid in other vertebrate species. In addition, this alteration is predicted to be tolerated by in silico analysis. Since supporting evidence is limited at this time, the clinical significance of this alteration remains unclear.

Fulgent Genetics
Classification: Uncertain significance for Hypertrophic cardiomyopathy 4; Left ventricular noncompaction 10. Last evaluated: 2021-07-01. Review status: criteria provided, single submitter. Criteria: ACMG Guidelines, 2015. Collection method: clinical testing. Allele origin: unknown.

Laboratory for Molecular Medicine, Mass General Brigham Personalized Medicine
Classification: Uncertain significance. Last evaluated: 2019-04-04. Review status: criteria provided, single submitter. Criteria: ACMG Guidelines, 2015. Collection method: clinical testing. Allele origin: germline.
Comment: The p.Arg458His variant in MYBPC3 has been identified in 1 individual with HCM and was absent from 200 Black and 200 Caucasian chromosomes (Van Driest 2004). This variant has been identified in 1/8322 European American chromosomes and 1/4076 African American chromosomes from a broad population by the NHLBI Exome Sequencing Project, though these could represent presymptomatic individuals. Low frequency in the general population supports pathogenicity but is not sufficient to rule out a benign role. Our laboratory has detected this variant in 2 individuals with DCM (1 infant, 1 adult). Additional evidence also supports a milder or benign role. Arginine at position 458 is not conserved evolution and several species (chicken, zebra finch, frog) carry the variant amino acid, suggesting that the change may be tolerated. The change was also predicted to be benign using a computational tool, which was validated by our laboratory using a set of cardiomyopathy variants with well-established clinical significance. This tool's benign interpretation is estimated to be correct 89% of the time (Jordan 2011). In summary, this variant is less likely disease causing in isolation but additional information is needed to establish its role with confidence.